The following is an entry in ClinVar:

NM_003579.4(RAD54L):c.1158C>A (p.Ser386Arg)

Gene: RAD54L (RAD54 like; plus strand). Cytogenetic location: 1p34.1.
Variant type: single nucleotide variant.
Coding change: c.1158C>A on transcript NM_003579.4 (MANE Select); coding-DNA position 1158, C replaced by A.
Protein change: p.Ser386Arg; replaces serine 386 with arginine.
Molecular consequence: missense variant.
Genome position (GRCh38, 1-based): chr1:46,270,774, C>A. VCF-style: chr1-46270774-C-A. GRCh37 (hg19) VCF-style: chr1-46736446-C-A.
Other names: c.1158C>A, p.Ser386Arg (NM_001142548.2); c.618C>A, p.Ser206Arg (NM_001370766.1); short protein forms S206R, S386R.
Identifiers: ClinVar variation 2593547 (VCV002593547.2), dbSNP rs767442837, ClinGen allele CA340175949.

ClinVar aggregate classification (germline): Uncertain significance (1 of 4 stars; one submission).

Submission:

Ambry Genetics
Classification: Uncertain significance. Last evaluated: 2023-06-29. Review status: criteria provided, single submitter. Criteria: Ambry Variant Classification Scheme 2023. Collection method: clinical testing. Allele origin: germline.
Comment: The p.S386R variant (also known as c.1158C>A), located in coding exon 10 of the RAD54L gene, results from a C to A substitution at nucleotide position 1158. The serine at codon 386 is replaced by arginine, an amino acid with dissimilar properties. This amino acid position is conserved. In addition, the in silico prediction for this alteration is inconclusive. Since supporting evidence is limited at this time, the clinical significance of this alteration remains unclear.